The following is an entry in ClinVar:

NM_000361.3(THBD):c.1262C>A (p.Thr421Asn)

Gene: THBD (thrombomodulin; minus strand). Cytogenetic location: 20p11.21.
Variant type: single nucleotide variant.
Coding change: c.1262C>A on transcript NM_000361.3 (MANE Select); coding-DNA position 1262, C replaced by A.
Protein change: p.Thr421Asn; replaces threonine 421 with asparagine.
Molecular consequence: missense variant.
Genome position (GRCh38, 1-based): chr20:23,048,243, G>T on the plus strand (C>A on the coding strand, the complement: THBD is on the minus strand). VCF-style: chr20-23048243-G-T. GRCh37 (hg19) VCF-style: chr20-23028880-G-T.
Other names: short protein forms T421N.
Identifiers: ClinVar variation 3456075 (VCV003456075.3).

ClinVar aggregate classification (germline): Conflicting classifications of pathogenicity. Review status: criteria provided, conflicting classifications (1 of 4 stars). 2 submissions from 2 submitters: Uncertain significance (1); Likely benign (1). Last evaluated 2024-11-09.

Conditions:
Inborn genetic diseases. Identifiers: MedGen C0950123, MeSH D030342.

Submissions (2):

Ambry Genetics
Classification: Likely benign for Inborn genetic diseases. Last evaluated: 2024-11-09. Review status: criteria provided, single submitter. Criteria: Ambry Variant Classification Scheme 2023. Collection method: clinical testing. Allele origin: germline.

Labcorp Genetics (formerly Invitae), Labcorp
Classification: Uncertain significance. Last evaluated: 2024-08-13. Review status: criteria provided, single submitter. Criteria: Invitae Variant Classification Sherloc (09022015). Collection method: clinical testing. Allele origin: germline.
Comment: This sequence change replaces threonine, which is neutral and polar, with asparagine, which is neutral and polar, at codon 421 of the THBD protein (p.Thr421Asn). This variant is not present in population databases (gnomAD no frequency). This variant has not been reported in the literature in individuals affected with THBD-related conditions. An algorithm developed to predict the effect of missense changes on protein structure and function outputs the following: PolyPhen-2: "Benign". The asparagine amino acid residue is found in multiple mammalian species, which suggests that this missense change does not adversely affect protein function. In summary, the available evidence is currently insufficient to determine the role of this variant in disease. Therefore, it has been classified as a Variant of Uncertain Significance.